The following is an entry in ClinVar:

ClinVar aggregate classification (germline): Uncertain significance (1 of 4 stars; one submission).

Submission:

CeGaT Center for Human Genetics Tuebingen
Classification: Uncertain significance. Last evaluated: 2022-03-01. Review status: criteria provided, single submitter. Criteria: CeGaT Center For Human Genetics Tuebingen Variant Classification Criteria Version 2. Collection method: clinical testing. Allele origin: germline. Affected: yes. Observed: 1 variant allele.
Comment: GCLC: PM2, PP4

NM_001498.4(GCLC):c.1303_1311delinsCCTAGAC (p.Asp435fs)

Genes: GCLC (glutamate-cysteine ligase catalytic subunit; minus strand), GCLC-AS1 (GCLC antisense RNA 1; plus strand). Cytogenetic location: 6p12.1.
Variant type: Indel.
Coding change: c.1303_1311delinsCCTAGAC on transcript NM_001498.4 (MANE Select); coding-DNA positions 1303 to 1311, GACTTTGAG replaced by CCTAGAC.
Protein change: p.Asp435fs; shifts the reading frame from aspartic acid 435.
Molecular consequence: frameshift variant.
Genome position (GRCh38, 1-based): chr6:53,505,476-53,505,484, CTCAAAGTC replaced by GTCTAGG on the plus strand (GACTTTGAG replaced by CCTAGAC on the coding strand, the reverse complement: GCLC is on the minus strand). VCF-style: chr6-53505476-CTCAAAGTC-GTCTAGG. GRCh37 (hg19) VCF-style: chr6-53370274-CTCAAAGTC-GTCTAGG.
Other names: c.1189_1197delinsCCTAGAC, p.Asp397fs (NM_001197115.2); short protein forms D397fs, D435fs.
Identifiers: ClinVar variation 1701505 (VCV001701505.31), dbSNP rs2127620297, ClinGen allele CA2580075546.
Genomic context (GRCh38, chr6:53,505,476, plus strand): 5'-CAATTTGTAGGAAAGGATCACTCTGGTGAGCAGTACCACAAACACCACATAGGCAGAGTT[CTCAAAGTC>GTCTAGG]TGTTAATTGCACCTAGACAAGCAGAAGCCCAGAGAAGTTATGAACCAACTACACAAACAT-3'